The following is an entry in ClinVar:

NM_001330260.2(SCN8A):c.5392G>A (p.Asp1798Asn)

Gene: SCN8A (sodium voltage-gated channel alpha subunit 8; plus strand). Cytogenetic location: 12q13.13.
Variant type: single nucleotide variant.
Coding change: c.5392G>A on transcript NM_001330260.2 (MANE Select); coding-DNA position 5392, G replaced by A.
Protein change: p.Asp1798Asn; replaces aspartic acid 1798 with asparagine.
Molecular consequence: missense variant.
Genome position (GRCh38, 1-based): chr12:51,806,878, G>A. VCF-style: chr12-51806878-G-A. GRCh37 (hg19) VCF-style: chr12-52200662-G-A.
Other names: c.5269G>A, p.Asp1757Asn (NM_001177984.3, NM_001369788.1); c.5392G>A, p.Asp1798Asn (NM_014191.4); c.5392G>A (NM_014191.3); short protein forms D1757N, D1798N.
Identifiers: ClinVar variation 1411616 (VCV001411616.10), dbSNP rs2138943594, ClinGen allele CA384885823.
Genomic context (GRCh38, chr12:51,806,878, plus strand): 5'-GACCCTCTGAGTGAGGATGACTTTGAGACCTTCTATGAGATCTGGGAGAAGTTCGACCCC[G>A]ATGCCACCCAGTTCATTGAGTACTGTAAGCTGGCAGACTTTGCAGATGCCTTGGAGCATC-3'
Protein context (NP_001317189.1, residues 1788-1808): FYEIWEKFDP[Asp1798Asn]ATQFIEYCKL

ClinVar aggregate classification (germline): Uncertain significance. Review status: criteria provided, multiple submitters, no conflicts (2 of 4 stars). 3 submissions from 3 submitters: Uncertain significance (3). Last evaluated 2025-06-12.

Conditions:
Early-infantile DEE. Also called: Early infantile epileptic encephalopathy with suppression bursts; Ohtahara syndrome; Early infantile epileptic encephalopathy. Identifiers: Orphanet 1934, MedGen C0393706, MONDO:0800491.

Allele frequency attached by ClinVar (database versions not stated): gnomAD exomes 0.00001.
gnomAD v4.1: 7 of 1,613,578 alleles (0.00043%); highest among the groups gnomAD compares: Non-Finnish European, 0.00059%; no homozygotes.

Submissions (3):

GeneDx
Classification: Uncertain significance. Last evaluated: 2025-06-12. Review status: criteria provided, single submitter. Criteria: GeneDx Variant Classification Process June 2021. Collection method: clinical testing. Allele origin: germline.
Comment: Not observed at significant frequency in large population cohorts (gnomAD); This substitution is predicted to be within the C-terminal cytoplasmic domain; In silico analysis supports that this missense variant has a deleterious effect on protein structure/function; This variant is associated with the following publications: (PMID: 33789662)

Labcorp Genetics (formerly Invitae), Labcorp
Classification: Uncertain significance for Early-infantile DEE. Last evaluated: 2024-03-10. Review status: criteria provided, single submitter. Criteria: Invitae Variant Classification Sherloc (09022015). Collection method: clinical testing. Allele origin: germline.
Comment: This sequence change replaces aspartic acid, which is acidic and polar, with asparagine, which is neutral and polar, at codon 1798 of the SCN8A protein (p.Asp1798Asn). This variant is not present in population databases (gnomAD no frequency). This variant has not been reported in the literature in individuals affected with SCN8A-related conditions. ClinVar contains an entry for this variant (Variation ID: 1411616). Advanced modeling of protein sequence and biophysical properties (such as structural, functional, and spatial information, amino acid conservation, physicochemical variation, residue mobility, and thermodynamic stability) performed at Invitae indicates that this missense variant is not expected to disrupt SCN8A protein function with a negative predictive value of 95%. In summary, the available evidence is currently insufficient to determine the role of this variant in disease. Therefore, it has been classified as a Variant of Uncertain Significance.

Revvity Omics, Revvity
Classification: Uncertain significance. Last evaluated: 2024-01-17. Review status: criteria provided, single submitter. Criteria: ACMG Guidelines, 2015. Collection method: clinical testing. Allele origin: germline.